The following is an entry in ClinVar:

NM_002693.3(POLG):c.125_126insCA (p.Gln43fs)

Genes: POLGARF (POLG alternative reading frame; minus strand), POLG (DNA polymerase gamma, catalytic subunit; minus strand). Cytogenetic location: 15q26.1.
Variant type: Insertion.
Coding change: c.125_126insCA on transcript NM_002693.3 (MANE Select); coding-DNA positions 125 to 126, CA inserted.
Protein change: p.Gln43fs; shifts the reading frame from glutamine 43.
Molecular consequence: frameshift variant.
Genome position: GRCh38 VCF-style: chr15-89333629-C-CTG. GRCh37 (hg19) VCF-style: chr15-89876860-C-CTG.
Other names: c.180_181insCA, p.Ala61fs (NM_001430120.1); c.125_126insCA, p.Gln43fs (NM_001126131.2); short protein forms A61fs, Q43fs.
Identifiers: ClinVar variation 5014733 (VCV005014733.1).

ClinVar aggregate classification (germline): Pathogenic (1 of 4 stars; one submission).

Conditions:
POLG-related disorder. Also called: POLG-Related Spectrum Disorders; POLG-related condition; POLG-Related Disorders. Identifiers: MedGen C4763519.

Submission:

Myriad Genetics, Inc.
Classification: Pathogenic for POLG-related disorder. Last evaluated: 2025-07-14. Review status: criteria provided, single submitter. Criteria: Myriad Autosomal Dominant, Autosomal Recessive and X-Linked Classification Criteria (2023). Collection method: clinical testing. Allele origin: unknown.
Comment: NM_002693.2(POLG):c.125_126insCA(Q43Sfs*224) is expected to be pathogenic in the context of POLG-related disorders. This variant is predicted to lead to an abnormal or absent protein product due to the creation of a premature termination codon in POLG, a gene where loss-of-function variants are known to be pathogenic. Please note: this variant was assessed in the context of healthy population screening.